The following is an entry in ClinVar:

NM_001282933.2(ZNF341):c.2165G>T (p.Arg722Leu)

Genes: ZNF341 (zinc finger protein 341; plus strand), ZNF341-AS1 (ZNF341 antisense RNA 1; minus strand). Cytogenetic location: 20q11.22.
Variant type: single nucleotide variant.
Coding change: c.2165G>T on transcript NM_001282933.2 (MANE Select); coding-DNA position 2165, G replaced by T.
Protein change: p.Arg722Leu; replaces arginine 722 with leucine.
Molecular consequence: missense variant. On other transcripts: non-coding transcript variant (1).
Genome position (GRCh38, 1-based): chr20:33,791,117, G>T. VCF-style: chr20-33791117-G-T. GRCh37 (hg19) VCF-style: chr20-32378923-G-T.
Other names: c.1895G>T, p.Arg632Leu (NM_001282935.2); c.2144G>T, p.Arg715Leu (NM_032819.5); short protein forms R715L, R722L, R632L.
Identifiers: ClinVar variation 1903311 (VCV001903311.5), dbSNP rs557327910, ClinGen allele CA9819723.

ClinVar aggregate classification (germline): Uncertain significance (1 of 4 stars; one submission).

gnomAD v4.1: 5 of 1,613,322 alleles (0.00031%); highest among the groups gnomAD compares: Middle Eastern, 0.016%; no homozygotes.

Submission:

Labcorp Genetics (formerly Invitae), Labcorp
Classification: Uncertain significance. Last evaluated: 2022-10-19. Review status: criteria provided, single submitter. Criteria: Invitae Variant Classification Sherloc (09022015). Collection method: clinical testing. Allele origin: germline.
Comment: This sequence change replaces arginine, which is basic and polar, with leucine, which is neutral and non-polar, at codon 715 of the ZNF341 protein (p.Arg715Leu). This variant is present in population databases (rs557327910, gnomAD 0.01%). This variant has not been reported in the literature in individuals affected with ZNF341-related conditions. Algorithms developed to predict the effect of missense changes on protein structure and function are either unavailable or do not agree on the potential impact of this missense change (SIFT: "Deleterious"; PolyPhen-2: "Probably Damaging"; Align-GVGD: "Class C0"). In summary, the available evidence is currently insufficient to determine the role of this variant in disease. Therefore, it has been classified as a Variant of Uncertain Significance.